The following is an entry in ClinVar:

NM_001734.5(C1S):c.1178T>C (p.Met393Thr)

Gene: C1S (complement C1s; plus strand). Cytogenetic location: 12p13.31.
Variant type: single nucleotide variant.
Coding change: c.1178T>C on transcript NM_001734.5 (MANE Select); coding-DNA position 1178, T replaced by C.
Protein change: p.Met393Thr; replaces methionine 393 with threonine.
Molecular consequence: missense variant.
Genome position (GRCh38, 1-based): chr12:7,067,754, T>C. VCF-style: chr12-7067754-T-C. GRCh37 (hg19) VCF-style: chr12-7175058-T-C.
Other names: c.677T>C, p.Met226Thr (NM_001346850.2); c.1178T>C, p.Met393Thr (NM_201442.4); short protein forms M393T, M226T.
Identifiers: ClinVar variation 1467102 (VCV001467102.6), dbSNP rs2135727184, ClinGen allele CA383701312.

ClinVar aggregate classification (germline): Uncertain significance (1 of 4 stars; one submission).

Submission:

Labcorp Genetics (formerly Invitae), Labcorp
Classification: Uncertain significance. Last evaluated: 2021-11-13. Review status: criteria provided, single submitter. Criteria: Invitae Variant Classification Sherloc (09022015). Collection method: clinical testing. Allele origin: germline.
Comment: This variant is not present in population databases (gnomAD no frequency). This sequence change replaces methionine, which is neutral and non-polar, with threonine, which is neutral and polar, at codon 393 of the C1S protein (p.Met393Thr). This variant has not been reported in the literature in individuals affected with C1S-related conditions. In summary, the available evidence is currently insufficient to determine the role of this variant in disease. Therefore, it has been classified as a Variant of Uncertain Significance. Algorithms developed to predict the effect of missense changes on protein structure and function (SIFT, PolyPhen-2, Align-GVGD) all suggest that this variant is likely to be disruptive.